The following is an entry in ClinVar:

NM_001369268.1(ACAN):c.821G>A (p.Arg274Gln)

Gene: ACAN (aggrecan; plus strand). Cytogenetic location: 15q26.1.
Variant type: single nucleotide variant.
Coding change: c.821G>A on transcript NM_001369268.1 (MANE Select); coding-DNA position 821, G replaced by A.
Protein change: p.Arg274Gln; replaces arginine 274 with glutamine.
Molecular consequence: missense variant.
Genome position (GRCh38, 1-based): chr15:88,843,418, G>A. VCF-style: chr15-88843418-G-A. GRCh37 (hg19) VCF-style: chr15-89386649-G-A.
Other names: c.821G>A, p.Arg274Gln (NM_001135.4, NM_001411096.1, NM_001411097.1 and 1 more transcripts); short protein forms R274Q.
Identifiers: ClinVar variation 2904462 (VCV002904462.4), dbSNP rs373432805, ClinGen allele CA7719376.
Genomic context (GRCh38, chr15:88,843,418, plus strand): 5'-AGGTCTTTTATGCAACATCTCCAGAGAAGTTCACCTTCCAGGAAGCAGCCAATGAGTGCC[G>A]GCGGCTGGGTGCCCGGCTGGCCACCACGGGCCAGCTCTACCTGGCCTGGCAGGCTGGCAT-3'
Protein context (NP_001356197.1, residues 264-284): FTFQEAANEC[Arg274Gln]RLGARLATTG

ClinVar aggregate classification (germline): Uncertain significance. Review status: criteria provided, multiple submitters, no conflicts (2 of 4 stars). 2 submissions from 2 submitters: Uncertain significance (2). Last evaluated 2026-08-06.

Conditions:
Monogenic short statue.

Allele frequency attached by ClinVar (database versions not stated): ExAC 0.00001; gnomAD 0.00004; TOPMed 0.00007; ESP Exome Variant Server 0.00008.
gnomAD v4.1: 39 of 1,604,228 alleles (0.0024%); highest among the groups gnomAD compares: African/African-American, 0.008%; no homozygotes.

Submissions (2):

NHS Central & South Genomic Laboratory Hub
Classification: Uncertain significance for Monogenic short statue. Last evaluated: 2026-08-06. Review status: criteria provided, single submitter. Criteria: ACMG Guidelines, 2015. Collection method: clinical testing. Allele origin: germline. Affected: yes.

Labcorp Genetics (formerly Invitae), Labcorp
Classification: Uncertain significance. Last evaluated: 2026-01-19. Review status: criteria provided, single submitter. Criteria: Invitae Variant Classification Sherloc (09022015). Collection method: clinical testing. Allele origin: germline.
Comment: This sequence change replaces arginine, which is basic and polar, with glutamine, which is neutral and polar, at codon 274 of the ACAN protein (p.Arg274Gln). This variant is present in population databases (rs373432805, gnomAD 0.008%). This variant has not been reported in the literature in individuals affected with ACAN-related conditions. ClinVar contains an entry for this variant (Variation ID: 2904462). Invitae Evidence Modeling of protein sequence and biophysical properties (such as structural, functional, and spatial information, amino acid conservation, physicochemical variation, residue mobility, and thermodynamic stability) indicates that this missense variant is not expected to disrupt ACAN protein function with a negative predictive value of 80%. In summary, the available evidence is currently insufficient to determine the role of this variant in disease. Therefore, it has been classified as a Variant of Uncertain Significance.